The following is an entry in ClinVar:

ClinVar aggregate classification (germline): Uncertain significance (1 of 4 stars; one submission).

Conditions:
PCNT-related disorder. Also called: PCNT-related condition.

gnomAD v4.1: 3 of 1,614,170 alleles (0.00019%); highest among the groups gnomAD compares: Admixed American, 0.0017%; no homozygotes.

Submission:

PreventionGenetics, part of Exact Sciences
Classification: Uncertain significance for PCNT-related condition. Last evaluated: 2026-06-18. Review status: criteria provided, single submitter. Criteria: ACMG Guidelines, 2015. Collection method: clinical testing. Allele origin: germline.
Comment: The PCNT c.1609G>C variant is predicted to result in the amino acid substitution p.Asp537His. To our knowledge, this variant has not been reported in the literature. This variant is reported in 0.00088% of alleles in individuals of European (Non-Finnish) descent in gnomAD. At this time, the clinical significance of this variant is uncertain due to the absence of conclusive functional and genetic evidence.

NM_006031.6(PCNT):c.1609G>C (p.Asp537His)

Gene: PCNT (pericentrin; plus strand). Cytogenetic location: 21q22.3.
Variant type: single nucleotide variant.
Coding change: c.1609G>C on transcript NM_006031.6 (MANE Select); coding-DNA position 1609, G replaced by C.
Protein change: p.Asp537His; replaces aspartic acid 537 with histidine.
Molecular consequence: missense variant.
Genome position (GRCh38, 1-based): chr21:46,353,256, G>C. VCF-style: chr21-46353256-G-C. GRCh37 (hg19) VCF-style: chr21-47773170-G-C.
Other names: c.1255G>C, p.Asp419His (NM_001315529.2); short protein forms D537H, D419H.
Identifiers: ClinVar variation 4983302 (VCV004983302.1).
Genomic context (GRCh38, chr21:46,353,256, plus strand): 5'-GAGCAACTGAGGATTTATTTTGAAAAGAAGTTAAGGGATGCTGAGAAAACTTACCAAGAA[G>C]ACCTAACCCTGTTACAGCAGAGGCTGCAGGGGGCGAGGGAAGATGCTCTTCTGGACTCTG-3'
Protein context (NP_006022.3, residues 527-547): LRDAEKTYQE[Asp537His]LTLLQQRLQG